The following is an entry in ClinVar:

ClinVar aggregate classification (germline): Uncertain significance. Review status: criteria provided, multiple submitters, no conflicts (2 of 4 stars). 3 submissions from 3 submitters: Uncertain significance (2). 1 of the submissions does not count toward it. Last evaluated 2022-10-08.

Conditions:
Cohen syndrome (COH1). Also called: Cutis verticis gyrata, retinitis pigmentosa, and sensorineural deafness; PEPPER SYNDROME. Identifiers: Orphanet 193, MedGen C0265223, MONDO:0008999, OMIM 216550.
Inborn genetic diseases. Identifiers: MedGen C0950123, MeSH D030342.

Allele frequency attached by ClinVar (database versions not stated): gnomAD exomes below 0.00001; ExAC 0.00001; TOPMed 0.00001.
gnomAD v4.1: 3 of 1,614,060 alleles (0.00019%); highest among the groups gnomAD compares: Non-Finnish European, 0.00017%; no homozygotes.

Submissions (3):

Labcorp Genetics (formerly Invitae), Labcorp
Classification: Uncertain significance for Cohen syndrome. Last evaluated: 2022-10-08. Review status: criteria provided, single submitter. Criteria: Invitae Variant Classification Sherloc (09022015). Collection method: clinical testing. Allele origin: germline.
Comment: This sequence change falls in intron 54 of the VPS13B gene. It does not directly change the encoded amino acid sequence of the VPS13B protein. It affects a nucleotide within the consensus splice site. This variant is present in population databases (rs772319548, gnomAD 0.0009%). This variant has not been reported in the literature in individuals affected with VPS13B-related conditions. ClinVar contains an entry for this variant (Variation ID: 589438). Variants that disrupt the consensus splice site are a relatively common cause of aberrant splicing (PMID: 17576681, 9536098). Algorithms developed to predict the effect of sequence changes on RNA splicing suggest that this variant may create or strengthen a splice site. In summary, the available evidence is currently insufficient to determine the role of this variant in disease. Therefore, it has been classified as a Variant of Uncertain Significance.

Ambry Genetics
Classification: Uncertain significance for Inborn genetic diseases. Last evaluated: 2016-10-28. Review status: criteria provided, single submitter. Criteria: Ambry Variant Classification Scheme 2023. Collection method: clinical testing. Allele origin: germline.
Comment: The c.10017+4A>G intronic variant results from an A to G substitution 4 nucleotides after coding exon 53 in the VPS13B gene. This variant was not reported in population based cohorts in the following databases: Database of Single Nucleotide Polymorphisms (dbSNP), NHLBI Exome Sequencing Project (ESP), and 1000 Genomes Project. In the ESP, this variant was not observed in 6503 samples (13006 alleles) with coverage at this position. This nucleotide position is well conserved in available vertebrate species. Using the BDGP and ESEfinder splice site prediction tools, this alteration is predicted to weaken the efficiency of the native splice donor site; however, direct evidence is unavailable. Since supporting evidence is limited at this time, the clinical significance of this variant remains unclear.

Natera, Inc.
Classification: Uncertain significance for Cohen syndrome. Last evaluated: 2020-10-09. Review status: no assertion criteria provided. Collection method: clinical testing. Allele origin: germline. Not counted in ClinVar's aggregate classification.

Literature cited by the submitters: PubMed 17576681 (cited by Labcorp Genetics (formerly Invitae), Labcorp); PubMed 9536098 (cited by Labcorp Genetics (formerly Invitae), Labcorp).

NM_152564.5(VPS13B):c.9942+4A>G

Gene: VPS13B (vacuolar protein sorting 13 homolog B; plus strand). Cytogenetic location: 8q22.2.
Variant type: single nucleotide variant.
Coding change: c.9942+4A>G on transcript NM_152564.5 (MANE Select); 4 bases into the intron after coding-DNA position 9942, A replaced by G.
Molecular consequence: intron variant.
Genome position (GRCh38, 1-based): chr8:99,835,742, A>G. VCF-style: chr8-99835742-A-G. GRCh37 (hg19) VCF-style: chr8-100847970-A-G.
Other names: c.10017+4A>G (NM_017890.5).
Identifiers: ClinVar variation 589438 (VCV000589438.12), dbSNP rs772319548, ClinGen allele CA4824825.